The following is an entry in ClinVar:

ClinVar aggregate classification (germline): Likely benign (1 of 4 stars; one submission).

Conditions:
TJP2-related disorder. Also called: TJP2-related condition.

gnomAD v4.1: 2 of 1,614,024 alleles (0.00012%); highest among the groups gnomAD compares: Non-Finnish European, 0.00017%; no homozygotes.

Submission:

PreventionGenetics, part of Exact Sciences
Classification: Likely benign for TJP2-related condition. Last evaluated: 2026-03-31. Review status: criteria provided, single submitter. Criteria: ACMG Guidelines, 2015. Collection method: clinical testing. Allele origin: germline.
Comment: This variant is classified as likely benign based on ACMG/AMP sequence variant interpretation guidelines (Richards et al. 2015 PMID: 25741868, with internal and published modifications).

NM_004817.4(TJP2):c.3156C>T (p.Pro1052=)

Gene: TJP2 (tight junction protein 2; plus strand). Cytogenetic location: 9q21.11.
Variant type: single nucleotide variant.
Coding change: c.3156C>T on transcript NM_004817.4 (MANE Select); coding-DNA position 3156, C replaced by T.
Protein change: p.Pro1052=; no amino-acid change (proline 1052 retained).
Molecular consequence: synonymous variant. On other transcripts: intron variant (3).
Genome position (GRCh38, 1-based): chr9:69,251,199, C>T. VCF-style: chr9-69251199-C-T. GRCh37 (hg19) VCF-style: chr9-71866115-C-T.
Other names: c.3057C>T, p.Pro1019= (NM_001170415.1); c.3249C>T, p.Pro1083= (NM_001170416.2); c.3081C>T, p.Pro1027= (NM_001369870.1); c.3087C>T, p.Pro1029= (NM_001369871.1); c.3045C>T, p.Pro1015= (NM_001369872.1); c.2832C>T, p.Pro944= (NM_001369873.1); c.3168C>T, p.Pro1056= (NM_001369875.1); c.2812-1616C>T (NM_001170414.2); and 2 more.
Identifiers: ClinVar variation 4995624 (VCV004995624.1).
Genomic context (GRCh38, chr9:69,251,199, plus strand): 5'-CAAAGGTTATCCTCCTCCTGTTGCAGCAAAACCTACCTTTGGGCGGTCTATACTGAAGCC[C>T]TCCACTCCCATCCCTCCTCAAGAGGGTGAGGAGGTGGGAGAGAGCAGTGAGGAGCAAGAT-3'
Protein context (NP_004808.2, residues 1042-1062): KPTFGRSILK[Pro1052=]STPIPPQEGE